The following is an entry in ClinVar:

ClinVar aggregate classification (germline): Uncertain significance. Review status: criteria provided, multiple submitters, no conflicts (2 of 4 stars). 2 submissions from 2 submitters: Uncertain significance (2). Last evaluated 2024-07-09.

Conditions:
Inborn genetic diseases. Identifiers: MedGen C0950123, MeSH D030342.

Allele frequency attached by ClinVar (database versions not stated): gnomAD 0.00003 and 0.00004; TOPMed 0.00006; gnomAD exomes 0.00008; ExAC 0.00009; ESP Exome Variant Server 0.00015.
gnomAD v4.1: 70 of 1,614,046 alleles (0.0043%); highest among the groups gnomAD compares: Admixed American, 0.027%; no homozygotes.

Submissions (2):

Ambry Genetics
Classification: Uncertain significance for Inborn genetic diseases. Last evaluated: 2024-07-09. Review status: criteria provided, single submitter. Criteria: Ambry Variant Classification Scheme 2023. Collection method: clinical testing. Allele origin: germline.

Labcorp Genetics (formerly Invitae), Labcorp
Classification: Uncertain significance. Last evaluated: 2022-07-05. Review status: criteria provided, single submitter. Criteria: Invitae Variant Classification Sherloc (09022015). Collection method: clinical testing. Allele origin: germline.
Comment: This sequence change replaces alanine, which is neutral and non-polar, with threonine, which is neutral and polar, at codon 3643 of the HSPG2 protein (p.Ala3643Thr). This variant is present in population databases (rs201309996, gnomAD 0.03%). This variant has not been reported in the literature in individuals affected with HSPG2-related conditions. ClinVar contains an entry for this variant (Variation ID: 1408292). Algorithms developed to predict the effect of missense changes on protein structure and function are either unavailable or do not agree on the potential impact of this missense change (SIFT: "Tolerated"; PolyPhen-2: "Probably Damaging"; Align-GVGD: "Class C0"). In summary, the available evidence is currently insufficient to determine the role of this variant in disease. Therefore, it has been classified as a Variant of Uncertain Significance.

NM_005529.7(HSPG2):c.10927G>A (p.Ala3643Thr)

Gene: HSPG2 (heparan sulfate proteoglycan 2; minus strand). Cytogenetic location: 1p36.12.
Variant type: single nucleotide variant.
Coding change: c.10927G>A on transcript NM_005529.7 (MANE Select); coding-DNA position 10927, G replaced by A.
Protein change: p.Ala3643Thr; replaces alanine 3643 with threonine.
Molecular consequence: missense variant.
Genome position (GRCh38, 1-based): chr1:21,833,518, C>T on the plus strand (G>A on the coding strand, the complement: HSPG2 is on the minus strand). VCF-style: chr1-21833518-C-T. GRCh37 (hg19) VCF-style: chr1-22160011-C-T.
Other names: c.10930G>A, p.Ala3644Thr (NM_001291860.2); c.10927G>A (NM_005529.5); short protein forms A3643T, A3644T.
Identifiers: ClinVar variation 1408292 (VCV001408292.5), dbSNP rs201309996, ClinGen allele CA669978.
Genomic context (GRCh38, chr1:21,833,518, plus strand): 5'-GTGTCTTACCTGGCACCTGCAGGTGGGCAAAGGCTTTGACCTTGCCCTGGCGGTTAGTGG[C>T]GGTGCAGACGTAGGTACCTGCGTCCTGGGGTCGGACTGAGGGCAGCATCAGCATGTTGTT-3'
Protein context (NP_005520.4, residues 3633-3653): PQDAGTYVCT[Ala3643Thr]TNRQGKVKAF